The following is an entry in ClinVar:

ClinVar aggregate classification (germline): Uncertain significance. Review status: criteria provided, multiple submitters, no conflicts (2 of 4 stars). 2 submissions from 2 submitters: Uncertain significance (2). Last evaluated 2025-03-26.

Allele frequency attached by ClinVar (database versions not stated): gnomAD 0.00001; gnomAD exomes 0.00001; ExAC 0.00002.
gnomAD v4.1: 19 of 1,614,058 alleles (0.0012%); highest among the groups gnomAD compares: South Asian, 0.021%; no homozygotes.

Submissions (2):

Ambry Genetics
Classification: Uncertain significance. Last evaluated: 2025-03-26. Review status: criteria provided, single submitter. Criteria: Ambry Variant Classification Scheme 2023. Collection method: clinical testing. Allele origin: germline.

Labcorp Genetics (formerly Invitae), Labcorp
Classification: Uncertain significance. Last evaluated: 2023-03-18. Review status: criteria provided, single submitter. Criteria: Invitae Variant Classification Sherloc (09022015). Collection method: clinical testing. Allele origin: germline.
Comment: This variant has not been reported in the literature in individuals affected with OAS1-related conditions. This variant is present in population databases (rs749753475, gnomAD 0.02%). This sequence change replaces phenylalanine, which is neutral and non-polar, with tyrosine, which is neutral and polar, at codon 119 of the OAS1 protein (p.Phe119Tyr). An algorithm developed to predict the effect of missense changes on protein structure and function (PolyPhen-2) suggests that this variant is likely to be disruptive. In summary, the available evidence is currently insufficient to determine the role of this variant in disease. Therefore, it has been classified as a Variant of Uncertain Significance.

NM_016816.4(OAS1):c.356T>A (p.Phe119Tyr)

Gene: OAS1 (2'-5'-oligoadenylate synthetase 1; plus strand). Cytogenetic location: 12q24.13.
Variant type: single nucleotide variant.
Coding change: c.356T>A on transcript NM_016816.4 (MANE Select); coding-DNA position 356, T replaced by A.
Protein change: p.Phe119Tyr; replaces phenylalanine 119 with tyrosine.
Molecular consequence: missense variant. On other transcripts: non-coding transcript variant (9), intron variant (4).
Genome position (GRCh38, 1-based): chr12:112,908,711, T>A. VCF-style: chr12-112908711-T-A. GRCh37 (hg19) VCF-style: chr12-113346516-T-A.
Other names: c.356T>A (NM_016816.2); c.356T>A, p.Phe119Tyr (NM_001032409.3, NM_001320151.2, NM_001406020.1 and 7 more transcripts); c.180+1492T>A (NM_001406030.1, NM_001406029.1, NM_001406027.1 and 1 more transcripts); short protein forms F119Y.
Identifiers: ClinVar variation 2902193 (VCV002902193.4), dbSNP rs749753475, ClinGen allele CA6799744.